The following is an entry in ClinVar:

ClinVar aggregate classification (germline): Uncertain significance (1 of 4 stars; one submission).

Conditions:
Glycogen storage disease, type II (IOPD). Also called: Pompe Disease; CARDIOMEGALIA GLYCOGENICA DIFFUSA; GLYCOGENOSIS, GENERALIZED, CARDIAC FORM; GSD II; POMPE DISEASE, INFANTILE-ONSET; GLYCOGEN STORAGE DISEASE II, INFANTILE-ONSET. Identifiers: Orphanet 365, MedGen C0017921, MONDO:0009290, OMIM 232300.

Submission:

Genomenon, Inc
Classification: Uncertain significance for Glycogen storage disease, type II. Last evaluated: 2026-07-01. Review status: criteria provided, single submitter. Criteria: Genomenon Sequence Variant Interpretation Standards - Updated. Collection method: curation. Allele origin: germline. Affected: yes.
Comment: GAA p.Ser940Ter (c.2819C>A) is a nonsense variant that introduces a premature stop codon at amino acid position 940 and is predicted to result in a truncated or absent protein product. This variant has been observed in at least one proband with a GAA-related disorder in the compound heterozygous and/or homozygous state (PMID:34020684). It is absent or not present at a significant frequency in gnomAD. In conclusion, we classify GAA p.Ser940Ter (c.2819C>A) as a variant of uncertain significance.

Literature cited by the submitters: PubMed 34020684.

NM_000152.5(GAA):c.2819C>A (p.Ser940Ter)

Gene: GAA (alpha glucosidase; plus strand). Cytogenetic location: 17q25.3.
Variant type: single nucleotide variant.
Coding change: c.2819C>A on transcript NM_000152.5 (MANE Select); coding-DNA position 2819, C replaced by A.
Protein change: p.Ser940Ter; replaces serine 940 with a stop codon.
Molecular consequence: nonsense.
Genome position (GRCh38, 1-based): chr17:80,119,291, C>A. VCF-style: chr17-80119291-C-A. GRCh37 (hg19) VCF-style: chr17-78093090-C-A.
Other names: c.2819C>A, p.Ser940Ter (NM_001079803.3, NM_001079804.3, NM_001406741.1 and 1 more transcripts); short protein forms S940*.
Identifiers: ClinVar variation 4876266 (VCV004876266.1).